The following is an entry in ClinVar:

NM_003072.5(SMARCA4):c.916C>A (p.Gln306Lys)

Gene: SMARCA4 (SWI/SNF related BAF chromatin remodeling complex subunit ATPase 4; plus strand). Cytogenetic location: 19p13.2.
Variant type: single nucleotide variant.
Coding change: c.916C>A on transcript NM_003072.5 (MANE Select); coding-DNA position 916, C replaced by A.
Protein change: p.Gln306Lys; replaces glutamine 306 with lysine.
Molecular consequence: missense variant. On other transcripts: non-coding transcript variant (1).
Genome position (GRCh38, 1-based): chr19:10,987,722, C>A. VCF-style: chr19-10987722-C-A. GRCh37 (hg19) VCF-style: chr19-11098398-C-A.
Other names: c.916C>A, p.Gln306Lys (NM_001128844.3, NM_001128845.2, NM_001128846.2 and 6 more transcripts); short protein forms Q306K.
Identifiers: ClinVar variation 1766030 (VCV001766030.2), dbSNP rs2086182638, ClinGen allele CA404058454.

ClinVar aggregate classification (germline): Uncertain significance (1 of 4 stars; one submission).

Conditions:
Hereditary cancer-predisposing syndrome. Also called: Neoplastic Syndromes, Hereditary; Tumor predisposition; Hereditary Cancer Syndrome; Hereditary neoplastic syndrome. Identifiers: Orphanet 140162, MedGen C0027672, MeSH D009386, MONDO:0015356.

Submission:

Ambry Genetics
Classification: Uncertain significance for Hereditary cancer-predisposing syndrome. Last evaluated: 2019-08-16. Review status: criteria provided, single submitter. Criteria: Ambry Variant Classification Scheme 2023. Collection method: clinical testing. Allele origin: germline.
Comment: The p.Q306K variant (also known as c.916C>A), located in coding exon 5 of the SMARCA4 gene, results from a C to A substitution at nucleotide position 916. The glutamine at codon 306 is replaced by lysine, an amino acid with similar properties. This amino acid position is not well conserved in available vertebrate species. In addition, the in silico prediction for this alteration is inconclusive. Since supporting evidence is limited at this time, the clinical significance of this alteration remains unclear.